The following is an entry in ClinVar:

NM_000639.3(FASLG):c.137C>T (p.Pro46Leu)

Gene: FASLG (Fas ligand; plus strand). Cytogenetic location: 1q24.3.
Variant type: single nucleotide variant.
Coding change: c.137C>T on transcript NM_000639.3 (MANE Select); coding-DNA position 137, C replaced by T.
Protein change: p.Pro46Leu; replaces proline 46 with leucine.
Molecular consequence: missense variant.
Genome position (GRCh38, 1-based): chr1:172,659,338, C>T. VCF-style: chr1-172659338-C-T. GRCh37 (hg19) VCF-style: chr1-172628478-C-T.
Other names: c.137C>T, p.Pro46Leu (NM_001302746.2); short protein forms P46L.
Identifiers: ClinVar variation 851854 (VCV000851854.4), dbSNP rs779382158, ClinGen allele CA1247450.

ClinVar aggregate classification (germline): Uncertain significance (1 of 4 stars; one submission).

Conditions:
Autoimmune lymphoproliferative syndrome type 1. Also called: AUTOIMMUNE LYMPHOPROLIFERATIVE SYNDROME, TYPE I, AUTOSOMAL DOMINANT. Identifiers: Orphanet 3261, MedGen C2717884, MONDO:0011158, OMIM 601859.

Allele frequency attached by ClinVar (database versions not stated): TOPMed below 0.00001; gnomAD 0.00008 and 0.00002.
gnomAD v4.1: 110 of 1,612,706 alleles (0.0068%); highest among the groups gnomAD compares: South Asian, 0.089%; no homozygotes.

Submission:

Labcorp Genetics (formerly Invitae), Labcorp
Classification: Uncertain significance for Autoimmune lymphoproliferative syndrome. Last evaluated: 2022-03-14. Review status: criteria provided, single submitter. Criteria: Invitae Variant Classification Sherloc (09022015). Collection method: clinical testing. Allele origin: germline.
Comment: This sequence change replaces proline, which is neutral and non-polar, with leucine, which is neutral and non-polar, at codon 46 of the FASLG protein (p.Pro46Leu). This variant is present in population databases (rs779382158, gnomAD 0.09%). This variant has not been reported in the literature in individuals affected with FASLG-related conditions. ClinVar contains an entry for this variant (Variation ID: 851854). Algorithms developed to predict the effect of missense changes on protein structure and function are either unavailable or do not agree on the potential impact of this missense change (SIFT: "Deleterious"; PolyPhen-2: "Probably Damaging"; Align-GVGD: "Class C0"). In summary, the available evidence is currently insufficient to determine the role of this variant in disease. Therefore, it has been classified as a Variant of Uncertain Significance.